The following is an entry in ClinVar:

NM_001394062.1(MACF1):c.20391C>T (p.Leu6797=)

Gene: MACF1 (microtubule actin crosslinking factor 1; plus strand). Cytogenetic location: 1p34.3.
Variant type: single nucleotide variant.
Coding change: c.20391C>T on transcript NM_001394062.1 (MANE Select); coding-DNA position 20391, C replaced by T.
Protein change: p.Leu6797=; no amino-acid change (leucine 6797 retained).
Molecular consequence: synonymous variant.
Genome position (GRCh38, 1-based): chr1:39,451,184, C>T. VCF-style: chr1-39451184-C-T. GRCh37 (hg19) VCF-style: chr1-39916856-C-T.
Other names: c.8469C>T, p.Leu2823= (NM_001397473.1); c.14214C>T, p.Leu4738= (NM_012090.5).
Identifiers: ClinVar variation 4821007 (VCV004821007.4).
Genomic context (GRCh38, chr1:39,451,184, plus strand): 5'-GTTATACAAGGTGGAGCCACAGCTGGCTGAGGACCAGCCCGTGCACGGGGACCTTGACCT[C>T]GTCATGAACCTCATGGATGCACACAAGGTAGGGGTGAGGTCTGGGCTACATTGGAGTGCA-3'
Protein context (NP_001380991.1, residues 6787-6807): EDQPVHGDLD[Leu6797=]VMNLMDAHKV

ClinVar aggregate classification (germline): Likely benign (1 of 4 stars; one submission).

gnomAD v4.1: 17 of 1,613,900 alleles (0.0011%); highest among the groups gnomAD compares: African/African-American, 0.0013%; no homozygotes.

Submission:

CeGaT Center for Human Genetics Tuebingen
Classification: Likely benign. Last evaluated: 2026-02-01. Review status: criteria provided, single submitter. Criteria: CeGaT Center For Human Genetics Tuebingen Variant Classification Criteria Version 2. Collection method: clinical testing. Allele origin: germline. Affected: yes. Observed: 1 variant allele.
Comment: MACF1: BP4, BP7